The following is an entry in ClinVar:

ClinVar aggregate classification (germline): Conflicting classifications of pathogenicity. Review status: criteria provided, conflicting classifications (1 of 4 stars). 5 submissions from 5 submitters: Uncertain significance (2); Likely benign (2). 1 of the submissions does not count toward it. Last evaluated 2024-12-17.

Conditions:
Fanconi anemia complementation group A (FANCA). Also called: FANCA-Related Fanconi Anemia; Fanconi anemia, group A. Identifiers: Orphanet 84, MedGen C3469521, MONDO:0009215, OMIM 227650.
Fanconi anemia (FA). Also called: Fanconi's anemia. Identifiers: Orphanet 84, MedGen C0015625, MeSH D005199, MONDO:0019391.

Allele frequency attached by ClinVar (database versions not stated): gnomAD 0.00001; TOPMed 0.00002; ESP Exome Variant Server 0.00008.
gnomAD v4.1: 23 of 1,614,068 alleles (0.0014%); highest among the groups gnomAD compares: Admixed American, 0.0033%; no homozygotes.

Submissions (5):

Labcorp Genetics (formerly Invitae), Labcorp
Classification: Likely benign for Fanconi anemia. Last evaluated: 2024-12-17. Review status: criteria provided, single submitter. Criteria: Invitae Variant Classification Sherloc (09022015). Collection method: clinical testing. Allele origin: germline.

Quest Diagnostics Nichols Institute San Juan Capistrano
Classification: Uncertain significance. Last evaluated: 2024-10-29. Review status: criteria provided, single submitter. Criteria: Quest Diagnostics criteria. Collection method: clinical testing. Allele origin: unknown.
Comment: The FANCA c.3193G>A (p.Val1065Met) variant has not been reported in individuals with FANCA-related conditions in the published literature. The frequency of this variant in the general population, 0.000035 (4/113538 chromosomes (Genome Aggregation Database)), is uninformative in the assessment of its pathogenicity. Analysis of this variant using bioinformatics tools for the prediction of the effect of amino acid changes on protein structure and function yielded predictions that this variant is benign. Based on the available information, we are unable to determine the clinical significance of this variant.

Blueprint Genetics
Classification: Likely benign. Last evaluated: 2022-09-07. Review status: criteria provided, single submitter. Criteria: ACMG Guidelines, 2015. Collection method: clinical testing. Allele origin: germline.

Fulgent Genetics
Classification: Uncertain significance for Fanconi anemia complementation group A. Last evaluated: 2021-10-27. Review status: criteria provided, single submitter. Criteria: ACMG Guidelines, 2015. Collection method: clinical testing. Allele origin: unknown.

Natera, Inc.
Classification: Uncertain significance for Fanconi anemia. Last evaluated: 2020-10-15. Review status: no assertion criteria provided. Collection method: clinical testing. Allele origin: germline. Not counted in ClinVar's aggregate classification.

NM_000135.4(FANCA):c.3193G>A (p.Val1065Met)

Gene: FANCA (FA complementation group A; minus strand). Cytogenetic location: 16q24.3.
Variant type: single nucleotide variant.
Coding change: c.3193G>A on transcript NM_000135.4 (MANE Select); coding-DNA position 3193, G replaced by A.
Protein change: p.Val1065Met; replaces valine 1065 with methionine.
Molecular consequence: missense variant.
Genome position (GRCh38, 1-based): chr16:89,749,776, C>T on the plus strand (G>A on the coding strand, the complement: FANCA is on the minus strand). VCF-style: chr16-89749776-C-T. GRCh37 (hg19) VCF-style: chr16-89816184-C-T.
Other names: c.3193G>A (NM_000135.3); c.3193G>A, p.Val1065Met (NM_001286167.3); short protein forms V1065M.
Identifiers: ClinVar variation 841077 (VCV000841077.14), dbSNP rs140124051, ClinGen allele CA8251303.